The following is an entry in ClinVar:

ClinVar aggregate classification (germline): Uncertain significance. Review status: criteria provided, multiple submitters, no conflicts (2 of 4 stars). 2 submissions from 2 submitters: Uncertain significance (2). Last evaluated 2025-10-30.

Conditions:
Inborn genetic diseases. Identifiers: MedGen C0950123, MeSH D030342.

Allele frequency attached by ClinVar (database versions not stated): ESP Exome Variant Server 0.00008; TOPMed 0.00009; ExAC 0.00007.
gnomAD v4.1: 168 of 1,611,420 alleles (0.01%); highest among the groups gnomAD compares: Middle Eastern, 0.049%; no homozygotes.

Submissions (2):

Ambry Genetics
Classification: Uncertain significance for Inborn genetic diseases. Last evaluated: 2025-10-30. Review status: criteria provided, single submitter. Criteria: Ambry Variant Classification Scheme 2023. Collection method: clinical testing. Allele origin: germline.

Labcorp Genetics (formerly Invitae), Labcorp
Classification: Uncertain significance. Last evaluated: 2022-08-19. Review status: criteria provided, single submitter. Criteria: Invitae Variant Classification Sherloc (09022015). Collection method: clinical testing. Allele origin: germline.
Comment: This sequence change replaces threonine, which is neutral and polar, with methionine, which is neutral and non-polar, at codon 605 of the COL27A1 protein (p.Thr605Met). This variant is present in population databases (rs372013019, gnomAD 0.05%). This variant has not been reported in the literature in individuals affected with COL27A1-related conditions. Advanced modeling of protein sequence and biophysical properties (such as structural, functional, and spatial information, amino acid conservation, physicochemical variation, residue mobility, and thermodynamic stability) performed at Invitae indicates that this missense variant is not expected to disrupt COL27A1 protein function. In summary, the available evidence is currently insufficient to determine the role of this variant in disease. Therefore, it has been classified as a Variant of Uncertain Significance.

NM_032888.4(COL27A1):c.1814C>T (p.Thr605Met)

Gene: COL27A1 (collagen type XXVII alpha 1 chain; plus strand). Cytogenetic location: 9q32.
Variant type: single nucleotide variant.
Coding change: c.1814C>T on transcript NM_032888.4 (MANE Select); coding-DNA position 1814, C replaced by T.
Protein change: p.Thr605Met; replaces threonine 605 with methionine.
Molecular consequence: missense variant.
Genome position (GRCh38, 1-based): chr9:114,169,369, C>T. VCF-style: chr9-114169369-C-T. GRCh37 (hg19) VCF-style: chr9-116931649-C-T.
Other names: short protein forms T605M.
Identifiers: ClinVar variation 2079223 (VCV002079223.3), dbSNP rs372013019, ClinGen allele CA5201486.
Genomic context (GRCh38, chr9:114,169,369, plus strand): 5'-AGACCACCCCGGCCCTGGTATTGGCCCCGGCGCAATTCCTGTCCTCCAGCCCCCGGCCCA[C>T]GAGCAGTGGCTATTCGATCTTCCACCTGGCAGGATCTACGCCTTTCCCTCTGCTGATGGG-3'
Protein context (NP_116277.2, residues 595-615): AQFLSSSPRP[Thr605Met]SSGYSIFHLA